The following is an entry in ClinVar:

NM_001080397.3(SLC45A1):c.52G>A (p.Val18Met)

Gene: SLC45A1 (solute carrier family 45 member 1; plus strand). Cytogenetic location: 1p36.23.
Variant type: single nucleotide variant.
Coding change: c.52G>A on transcript NM_001080397.3 (MANE Select); coding-DNA position 52, G replaced by A.
Protein change: p.Val18Met; replaces valine 18 with methionine.
Molecular consequence: missense variant. On other transcripts: intron variant (2).
Genome position (GRCh38, 1-based): chr1:8,324,381, G>A. VCF-style: chr1-8324381-G-A. GRCh37 (hg19) VCF-style: chr1-8384441-G-A.
Other names: c.52G>A, p.Val18Met (NM_001379614.1, NM_001379615.1, NM_001379616.1); c.-116-1437G>A (NM_001379617.1, NM_001379618.1); short protein forms V18M.
Identifiers: ClinVar variation 2634463 (VCV002634463.1), dbSNP rs371725234, ClinGen allele CA569997.

ClinVar aggregate classification (germline): Uncertain significance (1 of 4 stars; one submission).

Conditions:
SLC45A1-related disorder. Also called: SLC45A1-related condition.

Allele frequency attached by ClinVar (database versions not stated): ESP Exome Variant Server 0.00008; TOPMed 0.00008; gnomAD 0.00022; gnomAD exomes 0.00032; ExAC 0.00064; 1000 Genomes Project 30x 0.00109; 1000 Genomes Project 0.00120.
gnomAD v4.1: 503 of 1,612,754 alleles (0.031%); highest among the groups gnomAD compares: South Asian, 0.43%; 7 homozygotes.

Submission:

PreventionGenetics, part of Exact Sciences
Classification: Uncertain significance for SLC45A1-related condition. Last evaluated: 2023-01-12. Review status: criteria provided, single submitter. Criteria: ACMG Guidelines, 2015. Collection method: clinical testing. Allele origin: germline.
Comment: The SLC45A1 c.154G>A variant is predicted to result in the amino acid substitution p.Val52Met. To our knowledge, this variant has not been reported in the literature. This variant is reported in 0.41% of alleles in individuals of South Asian descent in gnomAD, including two homozygous individuals. Although we suspect that this variant may be benign, at this time, the clinical significance of this variant is uncertain due to the absence of conclusive functional and genetic evidence.